The following is an entry in ClinVar:

ClinVar aggregate classification (germline): Conflicting classifications of pathogenicity. Review status: criteria provided, conflicting classifications (1 of 4 stars). 4 submissions from 4 submitters: Uncertain significance (1); Benign (1). 2 of the submissions do not count toward it. Last evaluated 2025-06-01.

Allele frequency attached by ClinVar (database versions not stated): gnomAD exomes 0.00024 and 0.00040; ExAC 0.00046; ESP Exome Variant Server 0.00121; gnomAD 0.00168 and 0.00169; 1000 Genomes Project 0.00240; 1000 Genomes Project 30x 0.00250.

Submissions (4):

CeGaT Center for Human Genetics Tuebingen
Classification: Benign. Last evaluated: 2025-06-01. Review status: criteria provided, single submitter. Criteria: CeGaT Center For Human Genetics Tuebingen Variant Classification Criteria Version 2. Collection method: clinical testing. Allele origin: germline. Affected: yes. Observed: 2 variant alleles.
Comment: CPSF1: BS1, BS2

Breakthrough Genomics
Classification: Uncertain significance. Review status: criteria provided, single submitter. Criteria: ACMG Guidelines, 2015. Collection method: not provided. Allele origin: germline. Inheritance: Autosomal recessive inheritance. Affected: yes.

Clinical Genetics DNA and cytogenetics Diagnostics Lab, Erasmus MC, Erasmus Medical Center
Classification: Uncertain significance. Review status: no assertion criteria provided. Collection method: clinical testing. Allele origin: germline. Affected: yes. Study: VKGL Data-share Consensus. Not counted in ClinVar's aggregate classification.

Laboratory of Diagnostic Genome Analysis, Leiden University Medical Center (LUMC)
Classification: Uncertain significance. Review status: no assertion criteria provided. Collection method: clinical testing. Allele origin: germline. Affected: yes. Study: VKGL Data-share Consensus. Not counted in ClinVar's aggregate classification.

NM_013291.3(CPSF1):c.2171_2177del (p.Arg724fs)

Gene: CPSF1 (cleavage and polyadenylation specific factor 1; minus strand). Cytogenetic location: 8q24.3.
Variant type: Deletion.
Coding change: c.2171_2177del on transcript NM_013291.3 (MANE Select); coding-DNA positions 2171 to 2177, 7 bases deleted (GCAGTGG; older notation c.2171_2177delGCAGTGG).
Protein change: p.Arg724fs; shifts the reading frame from arginine 724.
Molecular consequence: frameshift variant.
Genome position (GRCh38, 1-based): chr8:144,397,776-144,397,782, CCACTGC deleted on the plus strand (GCAGTGG on the coding strand, the reverse complement: CPSF1 is on the minus strand). VCF-style (leftmost placement, unchanged base first): chr8-144397775-GCCACTGC-G. GRCh37 (hg19) VCF-style: chr8-145622990-GCCACTGC-G.
Other names: short protein forms R724fs.
Identifiers: ClinVar variation 1299998 (VCV001299998.9), dbSNP rs545383870, ClinGen allele CA4940083.